The following is an entry in ClinVar:

NM_001303256.3(MORC2):c.1820T>C (p.Val607Ala)

Gene: MORC2 (MORC family CW-type zinc finger 2; minus strand). Cytogenetic location: 22q12.2.
Variant type: single nucleotide variant.
Coding change: c.1820T>C on transcript NM_001303256.3 (MANE Select); coding-DNA position 1820, T replaced by C.
Protein change: p.Val607Ala; replaces valine 607 with alanine.
Molecular consequence: missense variant.
Genome position (GRCh38, 1-based): chr22:30,935,154, A>G on the plus strand (T>C on the coding strand, the complement: MORC2 is on the minus strand). VCF-style: chr22-30935154-A-G. GRCh37 (hg19) VCF-style: chr22-31331141-A-G.
Other names: c.1820T>C, p.Val607Ala (NM_001303257.2); c.1634T>C, p.Val545Ala (NM_014941.3); short protein forms V545A, V607A.
Identifiers: ClinVar variation 542289 (VCV000542289.8), dbSNP rs1555937777, ClinGen allele CA411236013.
Genomic context (GRCh38, chr22:30,935,154, plus strand): 5'-CTGGGGGCGTTCCTGATCACAGCAGGTAAAGGGGGCGACCGAGGACGCTGAGGTCTACGC[A>G]CAGGTTCCTAAAAAAAGGCCCACAGAGAGTGAGAACACTGATCCTAGCATGAGACACCTG-3'
Protein context (NP_001290185.1, residues 597-617): VTTRPSTEEP[Val607Ala]RRPQRPRSPP

ClinVar aggregate classification (germline): Uncertain significance. Review status: criteria provided, multiple submitters, no conflicts (2 of 4 stars). 2 submissions from 2 submitters: Uncertain significance (2). Last evaluated 2025-11-12.

Conditions:
Charcot-Marie-Tooth disease axonal type 2Z. Also called: CHARCOT-MARIE-TOOTH DISEASE, AXONAL, AUTOSOMAL DOMINANT, TYPE 2Z; CHARCOT-MARIE-TOOTH NEUROPATHY, TYPE 2Z. Identifiers: Orphanet 466768, MedGen C5569025, MONDO:0014736, OMIM 616688.

Allele frequency attached by ClinVar (database versions not stated): gnomAD 0.00001; gnomAD exomes below 0.00001; TOPMed below 0.00001.
gnomAD v4.1: 2 of 1,612,290 alleles (0.00012%); highest among the groups gnomAD compares: Non-Finnish European, 0.00017%; no homozygotes.

Submissions (2):

Women's Health and Genetics/Laboratory Corporation of America, LabCorp
Classification: Uncertain significance. Last evaluated: 2025-11-12. Review status: criteria provided, single submitter. Criteria: LabCorp Variant Classification Summary - May 2015. Collection method: clinical testing. Allele origin: germline.
Comment: Variant summary: MORC2 c.1820T>C (p.Val607Ala) results in a non-conservative amino acid change in the encoded protein sequence. Algorithms developed to predict the effect of missense changes on protein structure and function are either unavailable or do not agree on the potential impact of this missense change. The variant was absent in 248776 control chromosomes. The available data on variant occurrences in the general population are insufficient to allow any conclusion about variant significance. To our knowledge, no occurrence of c.1820T>C in individuals affected with MORC2-related conditions and no experimental evidence demonstrating its impact on protein function have been reported. ClinVar contains an entry for this variant (Variation ID: 542289). Based on the evidence outlined above, the variant was classified as uncertain significance.

Labcorp Genetics (formerly Invitae), Labcorp
Classification: Uncertain significance for Charcot-Marie-Tooth disease axonal type 2Z. Last evaluated: 2018-03-25. Review status: criteria provided, single submitter. Criteria: Invitae Variant Classification Sherloc (09022015). Collection method: clinical testing. Allele origin: germline.
Comment: In summary, the available evidence is currently insufficient to determine the role of this variant in disease. Therefore, it has been classified as a Variant of Uncertain Significance. Algorithms developed to predict the effect of missense changes on protein structure and function output the following: SIFT: "Tolerated"; PolyPhen-2: "Benign"; Align-GVGD: "Class C0". The alanine amino acid residue is found in multiple mammalian species, suggesting that this missense change does not adversely affect protein function. These predictions have not been confirmed by published functional studies and their clinical significance is uncertain. This variant has not been reported in the literature in individuals with MORC2-related disease. This variant is not present in population databases (ExAC no frequency). This sequence change replaces valine with alanine at codon 545 of the MORC2 protein (p.Val545Ala). The valine residue is weakly conserved and there is a small physicochemical difference between valine and alanine.